The following is an entry in ClinVar:

ClinVar aggregate classification (germline): Uncertain significance. Review status: criteria provided, multiple submitters, no conflicts (2 of 4 stars). 2 submissions from 2 submitters: Uncertain significance (2). Last evaluated 2024-11-05.

Conditions:
Inborn genetic diseases. Identifiers: MedGen C0950123, MeSH D030342.
Congenital disorder of deglycosylation (CDDG). Identifiers: MedGen C3808991, MONDO:0031376.

Allele frequency attached by ClinVar (database versions not stated): gnomAD exomes below 0.00001; gnomAD 0.00003 and 0.00004; TOPMed 0.00011.
gnomAD v4.1: 8 of 1,613,796 alleles (0.0005%); highest among the groups gnomAD compares: Admixed American, 0.01%; no homozygotes.

Submissions (2):

Labcorp Genetics (formerly Invitae), Labcorp
Classification: Uncertain significance for Congenital disorder of deglycosylation. Last evaluated: 2024-11-05. Review status: criteria provided, single submitter. Criteria: Invitae Variant Classification Sherloc (09022015). Collection method: clinical testing. Allele origin: germline.
Comment: This sequence change replaces threonine, which is neutral and polar, with asparagine, which is neutral and polar, at codon 630 of the NGLY1 protein (p.Thr630Asn). This variant is present in population databases (no rsID available, gnomAD 0.003%). This variant has not been reported in the literature in individuals affected with NGLY1-related conditions. ClinVar contains an entry for this variant (Variation ID: 474219). Invitae Evidence Modeling of protein sequence and biophysical properties (such as structural, functional, and spatial information, amino acid conservation, physicochemical variation, residue mobility, and thermodynamic stability) indicates that this missense variant is expected to disrupt NGLY1 protein function with a positive predictive value of 80%. In summary, the available evidence is currently insufficient to determine the role of this variant in disease. Therefore, it has been classified as a Variant of Uncertain Significance.

Ambry Genetics
Classification: Uncertain significance for Inborn genetic diseases. Last evaluated: 2023-11-22. Review status: criteria provided, single submitter. Criteria: Ambry Variant Classification Scheme 2023. Collection method: clinical testing. Allele origin: germline.

NM_018297.4(NGLY1):c.1889C>A (p.Thr630Asn)

Gene: NGLY1 (N-glycanase 1; minus strand). Cytogenetic location: 3p24.2.
Variant type: single nucleotide variant.
Coding change: c.1889C>A on transcript NM_018297.4 (MANE Select); coding-DNA position 1889, C replaced by A.
Protein change: p.Thr630Asn; replaces threonine 630 with asparagine.
Molecular consequence: missense variant. On other transcripts: 3 prime UTR variant (1).
Genome position (GRCh38, 1-based): chr3:25,719,536, G>T on the plus strand (C>A on the coding strand, the complement: NGLY1 is on the minus strand). VCF-style: chr3-25719536-G-T. GRCh37 (hg19) VCF-style: chr3-25761027-G-T.
Other names: c.1835C>A, p.Thr612Asn (NM_001145293.2); c.1763C>A, p.Thr588Asn (NM_001145294.2); c.*34C>A (NM_001145295.2); short protein forms T630N, T588N, T612N.
Identifiers: ClinVar variation 474219 (VCV000474219.7), dbSNP rs891240035, ClinGen allele CA71656909.